The following is an entry in ClinVar:

ClinVar aggregate classification (germline): Uncertain significance. Review status: criteria provided, multiple submitters, no conflicts (2 of 4 stars). 2 submissions from 2 submitters: Uncertain significance (2). Last evaluated 2022-04-19.

Conditions:
Inborn genetic diseases. Identifiers: MedGen C0950123, MeSH D030342.

Allele frequency attached by ClinVar (database versions not stated): gnomAD 0.00003; ExAC 0.00004; TOPMed 0.00004; gnomAD exomes 0.00006; ESP Exome Variant Server 0.00015.

Submissions (2):

Labcorp Genetics (formerly Invitae), Labcorp
Classification: Uncertain significance. Last evaluated: 2022-04-19. Review status: criteria provided, single submitter. Criteria: Invitae Variant Classification Sherloc (09022015). Collection method: clinical testing. Allele origin: germline.
Comment: This sequence change replaces arginine, which is basic and polar, with glutamine, which is neutral and polar, at codon 29 of the UBE3B protein (p.Arg29Gln). This variant is present in population databases (rs372604916, gnomAD 0.004%). This variant has not been reported in the literature in individuals affected with UBE3B-related conditions. Algorithms developed to predict the effect of missense changes on protein structure and function are either unavailable or do not agree on the potential impact of this missense change (SIFT: "Deleterious"; PolyPhen-2: "Benign"; Align-GVGD: "Class C0"). In summary, the available evidence is currently insufficient to determine the role of this variant in disease. Therefore, it has been classified as a Variant of Uncertain Significance.

Ambry Genetics
Classification: Uncertain significance for Inborn genetic diseases. Last evaluated: 2021-12-03. Review status: criteria provided, single submitter. Criteria: Ambry Variant Classification Scheme 2023. Collection method: clinical testing. Allele origin: germline.

NM_130466.4(UBE3B):c.86G>A (p.Arg29Gln)

Gene: UBE3B (ubiquitin protein ligase E3B; plus strand). Cytogenetic location: 12q24.11.
Variant type: single nucleotide variant.
Coding change: c.86G>A on transcript NM_130466.4 (MANE Select); coding-DNA position 86, G replaced by A.
Protein change: p.Arg29Gln; replaces arginine 29 with glutamine.
Molecular consequence: missense variant.
Genome position (GRCh38, 1-based): chr12:109,483,637, G>A. VCF-style: chr12-109483637-G-A. GRCh37 (hg19) VCF-style: chr12-109921442-G-A.
Other names: c.86G>A, p.Arg29Gln (NM_001270449.2, NM_001270450.2, NM_001270451.2 and 1 more transcripts); c.86G>A (NM_130466.2); short protein forms R29Q.
Identifiers: ClinVar variation 2169124 (VCV002169124.3), dbSNP rs372604916, ClinGen allele CA6777377.